The following is an entry in ClinVar:

ClinVar aggregate classification (germline): Uncertain significance (1 of 4 stars; one submission).

Allele frequency attached by ClinVar (database versions not stated): gnomAD exomes below 0.00001; ExAC 0.00001; TOPMed 0.00002; gnomAD 0.00001.
gnomAD v4.1: 4 of 1,610,778 alleles (0.00025%); highest among the groups gnomAD compares: African/African-American, 0.004%; no homozygotes.

Submission:

GeneDx
Classification: Uncertain significance. Last evaluated: 2019-06-03. Review status: criteria provided, single submitter. Criteria: GeneDx Variant Classification Process June 2021. Collection method: clinical testing. Allele origin: germline. Affected: yes.
Comment: Not observed at a significant frequency in large population cohorts (Lek et al., 2016); In silico analysis, which includes protein predictors and evolutionary conservation, supports that this variant does not alter protein structure/function; Has not been previously published as pathogenic or benign to our knowledge

NM_001083961.2(WDR62):c.3809C>T (p.Thr1270Ile)

Gene: WDR62 (WD repeat domain 62; plus strand). Cytogenetic location: 19q13.12.
Variant type: single nucleotide variant.
Coding change: c.3809C>T on transcript NM_001083961.2 (MANE Select); coding-DNA position 3809, C replaced by T.
Protein change: p.Thr1270Ile; replaces threonine 1270 with isoleucine.
Molecular consequence: missense variant.
Genome position (GRCh38, 1-based): chr19:36,103,637, C>T. VCF-style: chr19-36103637-C-T. GRCh37 (hg19) VCF-style: chr19-36594539-C-T.
Other names: c.3794C>T, p.Thr1265Ile (NM_173636.5); short protein forms T1265I, T1270I.
Identifiers: ClinVar variation 1302125 (VCV001302125.2), dbSNP rs760672019, ClinGen allele CA9396395.
Genomic context (GRCh38, chr19:36,103,637, plus strand): 5'-GTAGGCCATCGTCCGTTGGGGAGCTGGCCTCCTTGGGCCAGGAGCTTCAGGCCATCACCA[C>T]CGCGACAACACCCAGTTTGGACAGTGAGGGCCAAGAGCCTGCCCTGCGTTCCTGGGGCAA-3'
Protein context (NP_001077430.1, residues 1260-1280): SLGQELQAIT[Thr1270Ile]ATTPSLDSEG